The following is an entry in ClinVar:

ClinVar aggregate classification (germline): Conflicting classifications of pathogenicity. Review status: criteria provided, conflicting classifications (1 of 4 stars). 4 submissions from 4 submitters: Uncertain significance (1); Likely benign (3). Last evaluated 2025-12-05.

Conditions:
RYR1-related disorder. Also called: RYR1-related condition; RYR1-related disorders. Identifiers: MedGen CN239331.
Inborn genetic diseases. Identifiers: MedGen C0950123, MeSH D030342.

Allele frequency attached by ClinVar (database versions not stated): gnomAD 0.00001; 1000 Genomes Project 30x 0.00031; 1000 Genomes Project 0.00040.
gnomAD v4.1: 4 of 1,613,540 alleles (0.00025%); highest among the groups gnomAD compares: East Asian, 0.0022%; no homozygotes.

Submissions (4):

Mayo Clinic Laboratories, Mayo Clinic
Classification: Likely benign. Last evaluated: 2025-12-05. Review status: criteria provided, single submitter. Criteria: ACMG Guidelines, 2015. Collection method: clinical testing. Allele origin: germline. Observed: 1 variant allele.
Comment: BP4, BP7

Ambry Genetics
Classification: Likely benign for Inborn genetic diseases. Last evaluated: 2025-08-28. Review status: criteria provided, single submitter. Criteria: Ambry Variant Classification Scheme 2023. Collection method: clinical testing. Allele origin: germline.

Labcorp Genetics (formerly Invitae), Labcorp
Classification: Likely benign for RYR1-related disorder. Last evaluated: 2025-01-11. Review status: criteria provided, single submitter. Criteria: Invitae Variant Classification Sherloc (09022015). Collection method: clinical testing. Allele origin: germline.

PreventionGenetics, part of Exact Sciences
Classification: Uncertain significance. Last evaluated: 2016-12-19. Review status: criteria provided, single submitter. Criteria: ACMG Guidelines, 2015. Collection method: clinical testing. Allele origin: germline.

Literature cited by the submitters: PubMed 32236737 (cited by Mayo Clinic Laboratories, Mayo Clinic).

NM_000540.3(RYR1):c.5322G>A (p.Pro1774=)

Gene: RYR1 (ryanodine receptor 1; plus strand). Cytogenetic location: 19q13.2.
Variant type: single nucleotide variant.
Coding change: c.5322G>A on transcript NM_000540.3 (MANE Select); coding-DNA position 5322, G replaced by A.
Protein change: p.Pro1774=; no amino-acid change (proline 1774 retained).
Molecular consequence: synonymous variant.
Genome position (GRCh38, 1-based): chr19:38,485,977, G>A. VCF-style: chr19-38485977-G-A. GRCh37 (hg19) VCF-style: chr19-38976617-G-A.
Other names: p.Pro1774=; c.5322G>A, p.Pro1774= (NM_001042723.2).
Identifiers: ClinVar variation 478238 (VCV000478238.11), dbSNP rs572516017, ClinGen allele CA308093666.